The following is an entry in ClinVar:

ClinVar aggregate classification (germline): Benign/Likely benign. Review status: criteria provided, multiple submitters, no conflicts (2 of 4 stars). 4 submissions from 4 submitters: Benign (2); Likely benign (2). Last evaluated 2025-01-21.

Conditions:
Familial cancer of breast. Also called: BREAST CANCER, FAMILIAL; hereditary breast carcinoma; Hereditary breast cancer. Identifiers: Orphanet 227535, MedGen C0346153, MONDO:0016419, OMIM 114480. Disease mechanism: loss of function.
Hereditary cancer-predisposing syndrome. Also called: Neoplastic Syndromes, Hereditary; Tumor predisposition; Hereditary Cancer Syndrome; Hereditary neoplastic syndrome. Identifiers: Orphanet 140162, MedGen C0027672, MeSH D009386, MONDO:0015356.

gnomAD v4.1: 1 of 1,613,854 alleles (0.000062%); highest among the groups gnomAD compares: Non-Finnish European, 0.000085%; no homozygotes.

Submissions (4):

Myriad Genetics, Inc.
Classification: Benign for Familial cancer of breast. Last evaluated: 2025-01-21. Review status: criteria provided, single submitter. Criteria: Myriad Autosomal Dominant, Autosomal Recessive and X-Linked Classification Criteria (2023). Collection method: clinical testing. Allele origin: unknown.
Comment: This variant is considered benign. This variant is a silent/synonymous amino acid change and it is not expected to impact splicing.

Labcorp Genetics (formerly Invitae), Labcorp
Classification: Likely benign for Familial cancer of breast. Last evaluated: 2023-11-04. Review status: criteria provided, single submitter. Criteria: Invitae Variant Classification Sherloc (09022015). Collection method: clinical testing. Allele origin: germline.

Ambry Genetics
Classification: Likely benign for Hereditary cancer-predisposing syndrome. Last evaluated: 2015-06-02. Review status: criteria provided, single submitter. Criteria: Ambry Variant Classification Scheme 2023. Collection method: clinical testing. Allele origin: germline.

GeneDx
Classification: Benign. Last evaluated: 2015-04-22. Review status: criteria provided, single submitter. Criteria: GeneDx Variant Classification Process June 2021. Collection method: clinical testing. Allele origin: germline. Affected: yes.

NM_024675.4(PALB2):c.3210C>G (p.Leu1070=)

Gene: PALB2 (partner and localizer of BRCA2; minus strand). Cytogenetic location: 16p12.2.
Variant type: single nucleotide variant.
Coding change: c.3210C>G on transcript NM_024675.4 (MANE Select); coding-DNA position 3210, C replaced by G.
Protein change: p.Leu1070=; no amino-acid change (leucine 1070 retained).
Molecular consequence: synonymous variant.
Genome position (GRCh38, 1-based): chr16:23,608,004, G>C on the plus strand (C>G on the coding strand, the complement: PALB2 is on the minus strand). VCF-style: chr16-23608004-G-C. GRCh37 (hg19) VCF-style: chr16-23619325-G-C.
Identifiers: ClinVar variation 232079 (VCV000232079.17), dbSNP rs876659540, ClinGen allele CA10579926.